The following is an entry in ClinVar:

NM_001035.3(RYR2):c.10017C>T (p.His3339=)

Gene: RYR2 (ryanodine receptor 2; plus strand). Cytogenetic location: 1q43.
Variant type: single nucleotide variant.
Coding change: c.10017C>T on transcript NM_001035.3 (MANE Select); coding-DNA position 10017, C replaced by T.
Protein change: p.His3339=; no amino-acid change (histidine 3339 retained).
Molecular consequence: synonymous variant.
Genome position (GRCh38, 1-based): chr1:237,708,973, C>T. VCF-style: chr1-237708973-C-T. GRCh37 (hg19) VCF-style: chr1-237872273-C-T.
Other names: p.H3339H:CAC>CAT; c.10017C>T, p.His3339= (LRG_402t1).
Identifiers: ClinVar variation 138952 (VCV000138952.73), dbSNP rs376439588, ClinGen allele CA006488.

ClinVar aggregate classification (germline): Conflicting classifications of pathogenicity. Review status: criteria provided, conflicting classifications (1 of 4 stars). 15 submissions from 14 submitters: Uncertain significance (1); Benign (1); Likely benign (8). 5 of the submissions do not count toward it. Last evaluated 2026-07-01.

Conditions:
Cardiovascular phenotype. Identifiers: MedGen CN230736.
RYR2-related disorder. Also called: RYR2-related condition.
Catecholaminergic polymorphic ventricular tachycardia (CVPT). Also called: Catecholamine-induced polymorphic ventricular tachycardia. Identifiers: Orphanet 3286, MedGen C5574922, MONDO:0017990.
Cardiomyopathy (CMYO). Also called: Cardiomyopathies. Identifiers: Orphanet 167848, MedGen C0878544, MONDO:0004994, HP:0001638. Inheritance: Various modes of inheritance.
Catecholaminergic polymorphic ventricular tachycardia 1. Also called: VENTRICULAR TACHYCARDIA, STRESS-INDUCED POLYMORPHIC 1; VENTRICULAR TACHYCARDIA, CATECHOLAMINERGIC POLYMORPHIC, 1, WITH OR WITHOUT ATRIAL DYSFUNCTION AND/OR DILATED CARDIOMYOPATHY; RYR2-Related Catecholaminergic Polymorphic Ventricular Tachycardia. Identifiers: Orphanet 3286, MedGen C1631597, MONDO:0011484, OMIM 604772.
Arrhythmogenic right ventricular dysplasia 2. Identifiers: MedGen C1832931.

Allele frequency attached by ClinVar (database versions not stated): gnomAD 0.00007; ESP Exome Variant Server 0.00008; TOPMed 0.00009; gnomAD exomes 0.00012; ExAC 0.00016.
gnomAD v4.1: 282 of 1,613,608 alleles (0.017%); highest among the groups gnomAD compares: Non-Finnish European, 0.022%; no homozygotes.

Submissions (15):

CeGaT Center for Human Genetics Tuebingen
Classification: Likely benign. Last evaluated: 2026-07-01. Review status: criteria provided, single submitter. Criteria: CeGaT Center For Human Genetics Tuebingen Variant Classification Criteria Version 2. Collection method: clinical testing. Allele origin: germline. Affected: yes. Observed: 3 variant alleles.
Comment: RYR2: BP4, BP7

Labcorp Genetics (formerly Invitae), Labcorp
Classification: Likely benign for Catecholaminergic polymorphic ventricular tachycardia 1. Last evaluated: 2026-01-17. Review status: criteria provided, single submitter. Criteria: Invitae Variant Classification Sherloc (09022015). Collection method: clinical testing. Allele origin: germline.

Blueprint Genetics
Classification: Likely benign. Last evaluated: 2024-08-08. Review status: criteria provided, single submitter. Criteria: ACMG Guidelines, 2015. Collection method: clinical testing. Allele origin: germline.

All of Us Research Program, National Institutes of Health
Classification: Likely benign for Catecholaminergic polymorphic ventricular tachycardia. Last evaluated: 2024-02-05. Review status: criteria provided, single submitter. Criteria: ACMG Guidelines, 2015. Collection method: clinical testing. Allele origin: germline. Inheritance: Autosomal dominant inheritance. Observed: 37 variant alleles, 37 heterozygotes.
Comment: This study involves interpretation of variants in research participants for the purpose of population health screening. Participant phenotype was not available at the time of variant classification. Additional details can be found in publication PMID: 35346344, PMCID: PMC8962531

ARUP Laboratories, Molecular Genetics and Genomics, ARUP Laboratories
Classification: Likely benign. Last evaluated: 2019-03-01. Review status: criteria provided, single submitter. Criteria: ARUP Molecular Germline Variant Investigation Process. Collection method: clinical testing. Allele origin: germline.

Color Diagnostics, LLC DBA Color Health
Classification: Likely benign for Cardiomyopathy. Last evaluated: 2019-01-20. Review status: criteria provided, single submitter. Criteria: ACMG Guidelines, 2015. Collection method: clinical testing. Allele origin: germline.

Illumina Laboratory Services, Illumina
Classification: Likely benign for Catecholaminergic polymorphic ventricular tachycardia 1. Last evaluated: 2018-01-12. Review status: criteria provided, single submitter. Criteria: ICSL Variant Classification Criteria 13 December 2019. Collection method: clinical testing. Allele origin: germline.
Comment: This variant was observed in the ICSL laboratory as part of a predisposition screen in an ostensibly healthy population. It had not been previously curated by ICSL or reported in the Human Gene Mutation Database (HGMD: prior to June 1st, 2018), and was therefore a candidate for classification through an automated scoring system. Utilizing variant allele frequency, disease prevalence and penetrance estimates, and inheritance mode, an automated score was calculated to assess if this variant is too frequent to cause the disease. Based on the score and internal cut-off values, a variant classified as likely benign is not then subjected to further curation. The score for this variant resulted in a classification of likely benign for this disease.

Illumina Laboratory Services, Illumina
Classification: Uncertain significance for Catecholaminergic polymorphic ventricular tachycardia 1. Last evaluated: 2018-01-12. Review status: criteria provided, single submitter. Criteria: ICSL Variant Classification Criteria 13 December 2019. Collection method: clinical testing. Allele origin: germline.

Ambry Genetics
Classification: Likely benign for Cardiovascular phenotype. Last evaluated: 2016-05-05. Review status: criteria provided, single submitter. Criteria: Ambry Variant Classification Scheme 2023. Collection method: clinical testing. Allele origin: germline.

GeneDx
Classification: Benign. Last evaluated: 2014-01-09. Review status: criteria provided, single submitter. Criteria: GeneDx Variant Classification (06012015). Collection method: clinical testing. Allele origin: germline. Affected: yes.
Comment: This variant is considered likely benign or benign based on one or more of the following criteria: it is a conservative change, it occurs at a poorly conserved position in the protein, it is predicted to be benign by multiple in silico algorithms, and/or has population frequency not consistent with disease.

PreventionGenetics, part of Exact Sciences
Classification: Likely benign for RYR2-related condition. Last evaluated: 2020-05-11. Review status: no assertion criteria provided. Collection method: clinical testing. Allele origin: germline. Not counted in ClinVar's aggregate classification.
Comment: This variant is classified as likely benign based on ACMG/AMP sequence variant interpretation guidelines (Richards et al. 2015 PMID: 25741868, with internal and published modifications).

Clinical Genetics DNA and cytogenetics Diagnostics Lab, Erasmus MC, Erasmus Medical Center
Classification: Likely benign. Review status: no assertion criteria provided. Collection method: clinical testing. Allele origin: germline. Affected: yes. Study: VKGL Data-share Consensus. Not counted in ClinVar's aggregate classification.

Clinical Genetics, Academic Medical Center
Classification: Benign. Review status: no assertion criteria provided. Collection method: clinical testing. Allele origin: germline. Affected: yes. Study: VKGL Data-share Consensus. Not counted in ClinVar's aggregate classification.

Diagnostic Laboratory, Department of Genetics, University Medical Center Groningen
Classification: Likely benign. Review status: no assertion criteria provided. Collection method: clinical testing. Allele origin: germline. Affected: yes. Study: VKGL Data-share Consensus. Not counted in ClinVar's aggregate classification.

Genome Diagnostics Laboratory, University Medical Center Utrecht
Classification: Likely benign. Review status: no assertion criteria provided. Collection method: clinical testing. Allele origin: germline. Affected: yes. Study: VKGL Data-share Consensus. Not counted in ClinVar's aggregate classification.